The following is an entry in ClinVar:

NM_024675.4(PALB2):c.2478C>T (p.Asn826=)

Gene: PALB2 (partner and localizer of BRCA2; minus strand). Cytogenetic location: 16p12.2.
Variant type: single nucleotide variant.
Coding change: c.2478C>T on transcript NM_024675.4 (MANE Select); coding-DNA position 2478, C replaced by T.
Protein change: p.Asn826=; no amino-acid change (asparagine 826 retained).
Molecular consequence: synonymous variant.
Genome position (GRCh38, 1-based): chr16:23,629,676, G>A on the plus strand (C>T on the coding strand, the complement: PALB2 is on the minus strand). VCF-style: chr16-23629676-G-A. GRCh37 (hg19) VCF-style: chr16-23640997-G-A.
Identifiers: ClinVar variation 185041 (VCV000185041.26), dbSNP rs786201885, ClinGen allele CA190851.

ClinVar aggregate classification (germline): Benign/Likely benign. Review status: criteria provided, multiple submitters, no conflicts (2 of 4 stars). 10 submissions from 10 submitters: Benign (1); Likely benign (6). 3 of the submissions do not count toward it. Last evaluated 2026-01-25.

Conditions:
PALB2-related disorder. Also called: PALB2-related condition; PALB2-related disorders.
Hereditary cancer-predisposing syndrome. Also called: Hereditary neoplastic syndrome; Neoplastic Syndromes, Hereditary; Tumor predisposition; Hereditary Cancer Syndrome. Identifiers: Orphanet 140162, MedGen C0027672, MeSH D009386, MONDO:0015356.
Familial cancer of breast. Also called: BREAST CANCER, FAMILIAL; Hereditary breast cancer; hereditary breast carcinoma. Identifiers: Orphanet 227535, MedGen C0346153, MONDO:0016419, OMIM 114480. Disease mechanism: loss of function.

Allele frequency attached by ClinVar (database versions not stated): gnomAD exomes below 0.00001 and 0.00002; gnomAD 0.00001; TOPMed 0.00002.
gnomAD v4.1: 35 of 1,614,060 alleles (0.0022%); highest among the groups gnomAD compares: Non-Finnish European, 0.0029%; no homozygotes.

Submissions (10):

Labcorp Genetics (formerly Invitae), Labcorp
Classification: Likely benign for Familial cancer of breast. Last evaluated: 2026-01-25. Review status: criteria provided, single submitter. Criteria: Invitae Variant Classification Sherloc (09022015). Collection method: clinical testing. Allele origin: germline.

Myriad Genetics, Inc.
Classification: Benign for Familial cancer of breast. Last evaluated: 2023-03-30. Review status: criteria provided, single submitter. Criteria: Myriad Autosomal Dominant, Autosomal Recessive and X-Linked Classification Criteria (2023). Collection method: clinical testing. Allele origin: unknown.
Comment: This variant is considered benign. This variant is a silent/synonymous amino acid change and it is not expected to impact splicing.

Women's Health and Genetics/Laboratory Corporation of America, LabCorp
Classification: Likely benign. Last evaluated: 2019-08-29. Review status: criteria provided, single submitter. Criteria: LabCorp Variant Classification Summary - May 2015. Collection method: clinical testing. Allele origin: germline.

Color Diagnostics, LLC DBA Color Health
Classification: Likely benign for Hereditary cancer-predisposing syndrome. Last evaluated: 2017-09-16. Review status: criteria provided, single submitter. Criteria: ACMG Guidelines, 2015. Collection method: clinical testing. Allele origin: germline.

GeneDx
Classification: Likely benign. Last evaluated: 2016-11-22. Review status: criteria provided, single submitter. Criteria: GeneDx Variant Classification (06012015). Collection method: clinical testing. Allele origin: germline. Affected: yes.
Comment: This variant is considered likely benign or benign based on one or more of the following criteria: it is a conservative change, it occurs at a poorly conserved position in the protein, it is predicted to be benign by multiple in silico algorithms, and/or has population frequency not consistent with disease.

Ambry Genetics
Classification: Likely benign for Hereditary cancer-predisposing syndrome. Last evaluated: 2015-07-23. Review status: criteria provided, single submitter. Criteria: Ambry Variant Classification Scheme 2023. Collection method: clinical testing. Allele origin: germline.

Cancer Genetics Laboratory, Peter MacCallum Cancer Centre
Classification: Likely benign for Familial cancer of breast. Last evaluated: 2015-06-01. Review status: criteria provided, single submitter. Criteria: Thompson et al. (Breast Cancer Res. 2015). Collection method: case-control. Allele origin: germline. Affected: no. Observed: 1 variant allele, 1 heterozygote.

PreventionGenetics, part of Exact Sciences
Classification: Likely benign for PALB2-related condition. Last evaluated: 2024-01-12. Review status: no assertion criteria provided. Collection method: clinical testing. Allele origin: germline. Not counted in ClinVar's aggregate classification.
Comment: This variant is classified as likely benign based on ACMG/AMP sequence variant interpretation guidelines (Richards et al. 2015 PMID: 25741868, with internal and published modifications).

True Health Diagnostics
Classification: Likely benign for Hereditary cancer-predisposing syndrome. Last evaluated: 2018-11-09. Review status: no assertion criteria provided. Collection method: clinical testing. Allele origin: germline. Not counted in ClinVar's aggregate classification.

Counsyl
Classification: Likely benign for Familial cancer of breast. Last evaluated: 2015-12-16. Review status: no assertion criteria provided. Collection method: clinical testing. Allele origin: unknown. Not counted in ClinVar's aggregate classification.

Literature cited by the submitters: PubMed 26283626 (cited by Counsyl).